The following is an entry in ClinVar:

NM_003036.4(SKI):c.964C>T (p.Pro322Ser)

Gene: SKI (SKI proto-oncogene; plus strand). Cytogenetic location: 1p36.33.
Variant type: single nucleotide variant.
Coding change: c.964C>T on transcript NM_003036.4 (MANE Select); coding-DNA position 964, C replaced by T.
Protein change: p.Pro322Ser; replaces proline 322 with serine.
Molecular consequence: missense variant.
Genome position (GRCh38, 1-based): chr1:2,229,730, C>T. VCF-style: chr1-2229730-C-T. GRCh37 (hg19) VCF-style: chr1-2161169-C-T.
Other names: short protein forms P322S.
Identifiers: ClinVar variation 264199 (VCV000264199.19), dbSNP rs779317743, ClinGen allele CA536497.

ClinVar aggregate classification (germline): Uncertain significance. Review status: criteria provided, multiple submitters, no conflicts (2 of 4 stars). 5 submissions from 5 submitters: Uncertain significance (3). 2 of the submissions do not count toward it. Last evaluated 2025-10-25.

Conditions:
SKI-related disorder. Also called: SKI-related condition.
Familial thoracic aortic aneurysm and aortic dissection (TAAD). Also called: Thoracic aortic aneurysms and dissections. Identifiers: Orphanet 91387, MedGen C4707243, MONDO:0019625.
Shprintzen-Goldberg syndrome (SGS). Also called: SHPRINTZEN-GOLDBERG CRANIOSYNOSTOSIS SYNDROME; CRANIOSYNOSTOSIS WITH ARACHNODACTYLY AND ABDOMINAL HERNIAS; Marfanoid disorder with craniosynostosis type 1; Marfanoid craniosynostosis syndrome; Shprintzen-Goldberg marfanoid syndrome. Identifiers: Orphanet 2462, MedGen C1321551, MONDO:0008426, OMIM 182212.
Intellectual disability. Also called: Intellectual functioning disability; intellectual disabilities; Intellectual developmental disorder. Identifiers: MedGen C3714756, MeSH D008607, MONDO:0001071, HP:0001249.

Allele frequency attached by ClinVar (database versions not stated): ExAC below 0.00001; gnomAD exomes 0.00002; TOPMed 0.00002; gnomAD 0.00003.
gnomAD v4.1: 23 of 1,559,462 alleles (0.0015%); highest among the groups gnomAD compares: Non-Finnish European, 0.0019%; no homozygotes.

Submissions (5):

Labcorp Genetics (formerly Invitae), Labcorp
Classification: Uncertain significance for Shprintzen-Goldberg syndrome. Last evaluated: 2025-10-25. Review status: criteria provided, single submitter. Criteria: Invitae Variant Classification Sherloc (09022015). Collection method: clinical testing. Allele origin: germline.
Comment: This sequence change replaces proline, which is neutral and non-polar, with serine, which is neutral and polar, at codon 322 of the SKI protein (p.Pro322Ser). This variant is present in population databases (rs779317743, gnomAD 0.004%). This variant has not been reported in the literature in individuals affected with SKI-related conditions. ClinVar contains an entry for this variant (Variation ID: 264199). Invitae Evidence Modeling of protein sequence and biophysical properties (such as structural, functional, and spatial information, amino acid conservation, physicochemical variation, residue mobility, and thermodynamic stability) indicates that this missense variant is not expected to disrupt SKI protein function with a negative predictive value of 95%. In summary, the available evidence is currently insufficient to determine the role of this variant in disease. Therefore, it has been classified as a Variant of Uncertain Significance.

GeneDx
Classification: Uncertain significance. Last evaluated: 2024-06-11. Review status: criteria provided, single submitter. Criteria: GeneDx Variant Classification Process June 2021. Collection method: clinical testing. Allele origin: germline. Affected: yes.
Comment: Has not been previously published as pathogenic or benign to our knowledge; In silico analysis indicates that this missense variant does not alter protein structure/function

Ambry Genetics
Classification: Uncertain significance for Familial thoracic aortic aneurysm and aortic dissection. Last evaluated: 2021-01-27. Review status: criteria provided, single submitter. Criteria: Ambry Variant Classification Scheme 2023. Collection method: clinical testing. Allele origin: germline.
Comment: The p.P322S variant (also known as c.964C>T), located in coding exon 1 of the SKI gene, results from a C to T substitution at nucleotide position 964. The proline at codon 322 is replaced by serine, an amino acid with some similar properties. This amino acid position is well conserved in available vertebrates and serine is the reference amino acid in a few lower species. In addition, this alteration is predicted to be tolerated by in silico analysis. Since supporting evidence is limited at this time, the clinical significance of this variant remains unclear.

PreventionGenetics, part of Exact Sciences
Classification: Uncertain significance for SKI-related condition. Last evaluated: 2024-02-12. Review status: no assertion criteria provided. Collection method: clinical testing. Allele origin: germline. Not counted in ClinVar's aggregate classification.
Comment: The SKI c.964C>T variant is predicted to result in the amino acid substitution p.Pro322Ser. To our knowledge, this variant has not been reported in the literature. This variant is reported in 0.0053% of alleles in individuals of European (Non-Finnish) descent in gnomAD. At this time, the clinical significance of this variant is uncertain due to the absence of conclusive functional and genetic evidence.

Centre de Biologie Pathologie Génétique, Centre Hospitalier Universitaire de Lille
Classification: Uncertain significance for Intellectual disability. Last evaluated: 2019-01-01. Review status: no assertion criteria provided. Collection method: clinical testing. Allele origin: unknown. Affected: yes. Not counted in ClinVar's aggregate classification.